The following is an entry in ClinVar:

ClinVar aggregate classification (germline): Conflicting classifications of pathogenicity. Review status: criteria provided, conflicting classifications (1 of 4 stars). 2 submissions from 2 submitters: Uncertain significance (1); Likely benign (1). Last evaluated 2024-06-20.

Allele frequency attached by ClinVar (database versions not stated): gnomAD exomes 0.00001 and 0.00002; TOPMed 0.00001; ExAC 0.00002.
gnomAD v4.1: 12 of 1,608,900 alleles (0.00075%); highest among the groups gnomAD compares: East Asian, 0.0067%; no homozygotes.

Submissions (2):

Blueprint Genetics
Classification: Likely benign. Last evaluated: 2024-06-20. Review status: criteria provided, single submitter. Criteria: ACMG Guidelines, 2015. Collection method: clinical testing. Allele origin: germline.

Labcorp Genetics (formerly Invitae), Labcorp
Classification: Uncertain significance. Last evaluated: 2021-07-14. Review status: criteria provided, single submitter. Criteria: Invitae Variant Classification Sherloc (09022015). Collection method: clinical testing. Allele origin: germline.
Comment: In summary, the available evidence is currently insufficient to determine the role of this variant in disease. Therefore, it has been classified as a Variant of Uncertain Significance. Nucleotide substitutions within the consensus splice site are a relatively common cause of aberrant splicing (PMID: 17576681, 9536098). Algorithms developed to predict the effect of sequence changes on RNA splicing suggest that this variant is not likely to affect RNA splicing, but this prediction has not been confirmed by published transcriptional studies. This variant has not been reported in the literature in individuals with CAPN5-related conditions. This variant is present in population databases (rs782631237, ExAC 0.003%). This sequence change falls in intron 3 of the CAPN5 gene. It does not directly change the encoded amino acid sequence of the CAPN5 protein, but it affects a nucleotide within the consensus splice site of the intron.

Literature cited by the submitters: PubMed 17576681 (cited by Labcorp Genetics (formerly Invitae), Labcorp); PubMed 9536098 (cited by Labcorp Genetics (formerly Invitae), Labcorp).

NM_004055.5(CAPN5):c.297+3G>A

Gene: CAPN5 (calpain 5; plus strand). Cytogenetic location: 11q13.5.
Variant type: single nucleotide variant.
Coding change: c.297+3G>A on transcript NM_004055.5 (MANE Select); 3 bases into the intron after coding-DNA position 297, G replaced by A.
Molecular consequence: intron variant.
Genome position (GRCh38, 1-based): chr11:77,093,816, G>A. VCF-style: chr11-77093816-G-A. GRCh37 (hg19) VCF-style: chr11-76804862-G-A.
Identifiers: ClinVar variation 1047392 (VCV001047392.8), dbSNP rs782631237, ClinGen allele CA6196225.